The following is an entry in ClinVar:

NM_003737.4(DCHS1):c.5218G>A (p.Ala1740Thr)

Gene: DCHS1 (dachsous cadherin-related 1; minus strand). Cytogenetic location: 11p15.4.
Variant type: single nucleotide variant.
Coding change: c.5218G>A on transcript NM_003737.4 (MANE Select); coding-DNA position 5218, G replaced by A.
Protein change: p.Ala1740Thr; replaces alanine 1740 with threonine.
Molecular consequence: missense variant.
Genome position (GRCh38, 1-based): chr11:6,628,774, C>T on the plus strand (G>A on the coding strand, the complement: DCHS1 is on the minus strand). VCF-style: chr11-6628774-C-T. GRCh37 (hg19) VCF-style: chr11-6650005-C-T.
Other names: short protein forms A1740T.
Identifiers: ClinVar variation 1962002 (VCV001962002.5), dbSNP rs2493821312, ClinGen allele CA379396640.

ClinVar aggregate classification (germline): Uncertain significance (1 of 4 stars; one submission).

Submission:

Labcorp Genetics (formerly Invitae), Labcorp
Classification: Uncertain significance. Last evaluated: 2021-12-15. Review status: criteria provided, single submitter. Criteria: Invitae Variant Classification Sherloc (09022015). Collection method: clinical testing. Allele origin: germline.
Comment: In summary, the available evidence is currently insufficient to determine the role of this variant in disease. Therefore, it has been classified as a Variant of Uncertain Significance. Advanced modeling of protein sequence and biophysical properties (such as structural, functional, and spatial information, amino acid conservation, physicochemical variation, residue mobility, and thermodynamic stability) performed at Invitae indicates that this missense variant is not expected to disrupt DCHS1 protein function. This variant has not been reported in the literature in individuals affected with DCHS1-related conditions. This variant is not present in population databases (gnomAD no frequency). This sequence change replaces alanine, which is neutral and non-polar, with threonine, which is neutral and polar, at codon 1740 of the DCHS1 protein (p.Ala1740Thr).